The following is an entry in ClinVar:

NM_000528.4(MAN2B1):c.2437-2A>G

Gene: MAN2B1 (mannosidase alpha class 2B member 1; minus strand). Cytogenetic location: 19p13.13.
Variant type: single nucleotide variant.
Coding change: c.2437-2A>G on transcript NM_000528.4 (MANE Select); the canonical splice acceptor site of the intron before coding-DNA position 2437, A replaced by G.
Molecular consequence: splice acceptor variant.
Genome position (GRCh38, 1-based): chr19:12,648,404, T>C on the plus strand (A>G on the coding strand, the complement: MAN2B1 is on the minus strand). VCF-style: chr19-12648404-T-C. GRCh37 (hg19) VCF-style: chr19-12759218-T-C.
Other names: c.2434-2A>G (NM_001173498.2).
Identifiers: ClinVar variation 665784 (VCV000665784.16), dbSNP rs1445197546, ClinGen allele CA404240651.

ClinVar aggregate classification (germline): Pathogenic/Likely pathogenic. Review status: criteria provided, multiple submitters, no conflicts (2 of 4 stars). 4 submissions from 4 submitters: Pathogenic (2); Likely pathogenic (1). 1 of the submissions does not count toward it. Last evaluated 2024-03-07.

Conditions:
Deficiency of alpha-mannosidase (MANSA). Also called: Mannosidosis, alpha-, types I and II; LYSOSOMAL ALPHA-D-MANNOSIDASE DEFICIENCY; Alpha-Mannosidosis. Identifiers: Orphanet 61, MedGen C0024748, MONDO:0009561, OMIM 248500.

Allele frequency attached by ClinVar (database versions not stated): gnomAD exomes below 0.00001.
gnomAD v4.1: 2 of 1,608,284 alleles (0.00012%); highest among the groups gnomAD compares: South Asian, 0.0011%; no homozygotes.

Submissions (4):

Labcorp Genetics (formerly Invitae), Labcorp
Classification: Pathogenic for Deficiency of alpha-mannosidase. Last evaluated: 2024-03-07. Review status: criteria provided, single submitter. Criteria: Invitae Variant Classification Sherloc (09022015). Collection method: clinical testing. Allele origin: germline.
Comment: This sequence change affects an acceptor splice site in intron 20 of the MAN2B1 gene. It is expected to disrupt RNA splicing. Variants that disrupt the donor or acceptor splice site typically lead to a loss of protein function (PMID: 16199547), and loss-of-function variants in MAN2B1 are known to be pathogenic (PMID: 9915946, 22161967). The frequency data for this variant in the population databases is considered unreliable, as metrics indicate poor data quality at this position in the gnomAD database. Disruption of this splice site has been observed in individual(s) with mannosidosis (PMID: 14765545). ClinVar contains an entry for this variant (Variation ID: 665784). Algorithms developed to predict the effect of sequence changes on RNA splicing suggest that this variant may disrupt the consensus splice site. For these reasons, this variant has been classified as Pathogenic.

Neuberg Centre For Genomic Medicine, NCGM
Classification: Likely pathogenic for Deficiency of alpha-mannosidase. Last evaluated: 2023-06-22. Review status: criteria provided, single submitter. Criteria: ACMG Guidelines, 2015. Collection method: clinical testing. Allele origin: germline. Inheritance: Autosomal recessive inheritance. Affected: yes.
Comment: The observed splice site c.2437-2A>G variant in the MAN2B1 gene has been reported previously in the homozygous state in an individual with alpha-mannosidosis (Beccari T, et al., 2003). This variant is reported with the allele frequency 0.0004% in the gnomAD Exomes. This variant has been reported to the ClinVar database as Pathogenic. The variant affects the AG acceptor splice site upstream to exon 21. Loss of function variants have been previously reported to be disease causing (Riise Stensland HM, et al., 2012). However study on multiple affected individuals and functional studies on the pathogenicity of the variant is unavailable. The variant is predicted to be damaging by SpliceAI prediction tool. For these reasons, this variant has been classified as Likely Pathogenic.

Genome-Nilou Lab
Classification: Pathogenic for Deficiency of alpha-mannosidase. Last evaluated: 2021-09-05. Review status: criteria provided, single submitter. Criteria: ACMG Guidelines, 2015. Collection method: clinical testing. Allele origin: germline. Affected: no.

Natera, Inc.
Classification: Pathogenic for Alpha-mannosidosis. Last evaluated: 2020-12-31. Review status: no assertion criteria provided. Collection method: clinical testing. Allele origin: germline. Not counted in ClinVar's aggregate classification.

Literature cited by the submitters: PubMed 16199547 (cited by Labcorp Genetics (formerly Invitae), Labcorp); PubMed 9915946 (cited by Labcorp Genetics (formerly Invitae), Labcorp); PubMed 22161967 (cited by Labcorp Genetics (formerly Invitae), Labcorp); PubMed 14765545 (cited by Labcorp Genetics (formerly Invitae), Labcorp).